The following is an entry in ClinVar:

ClinVar aggregate classification (germline): Uncertain significance. Review status: criteria provided, multiple submitters, no conflicts (2 of 4 stars). 7 submissions from 7 submitters: Uncertain significance (5). 2 of the submissions do not count toward it. Last evaluated 2026-09-08.

Conditions:
Bardet-Biedl syndrome 13 (BBS13). Identifiers: Orphanet 110, MedGen C2673873, MONDO:0014441, OMIM 615990.
Joubert syndrome 28 (JBTS28). Identifiers: MedGen C4310705, MONDO:0014928, OMIM 617121.
Meckel syndrome, type 1 (MKS1). Also called: MECKEL-GRUBER SYNDROME, TYPE 1. Identifiers: Orphanet 564, MedGen C3714506, MONDO:0009571, OMIM 249000.
Inborn genetic diseases. Identifiers: MedGen C0950123, MeSH D030342.
Retinal dystrophy. Also called: Inherited retinal dystrophy. Identifiers: Orphanet 71862, MedGen C0854723, MeSH D058499, MONDO:0019118, HP:0000556.
MKS1-related disorder. Also called: MKS1-related condition; MKS1-related disorders. Identifiers: MedGen CN239382.
Meckel-Gruber syndrome. Also called: DYSENCEPHALIA SPLANCHNOCYSTICA; Dysencephalia splachnocystica; GRUBER SYNDROME. Identifiers: Orphanet 564, MedGen C0265215, MONDO:0018921.
Joubert syndrome. Also called: Familial aplasia of the vermis; JOUBERT-BOLTSHAUSER SYNDROME. Identifiers: Orphanet 475, MedGen C5979921, MONDO:0018772.

Allele frequency attached by ClinVar (database versions not stated): TOPMed 0.00011; ESP Exome Variant Server 0.00016.
gnomAD v4.1: 301 of 1,613,948 alleles (0.019%); highest among the groups gnomAD compares: Non-Finnish European, 0.025%; 1 homozygote.

Submissions (7):

PreventionGenetics, part of Exact Sciences
Classification: Uncertain significance for MKS1-related condition. Last evaluated: 2026-09-08. Review status: criteria provided, single submitter. Criteria: ACMG Guidelines, 2015. Collection method: clinical testing. Allele origin: germline.
Comment: The MKS1 c.1544G>T variant is predicted to result in the amino acid substitution p.Arg515Leu. To our knowledge, this variant has not been reported in the literature. This variant is reported in 0.026% of alleles in individuals of European (Non-Finnish) descent in gnomAD. At this time, the clinical significance of this variant is uncertain due to the absence of conclusive functional and genetic evidence.

Ambry Genetics
Classification: Uncertain significance for Inborn genetic diseases. Last evaluated: 2024-10-01. Review status: criteria provided, single submitter. Criteria: Ambry Variant Classification Scheme 2023. Collection method: clinical testing. Allele origin: germline.

Blueprint Genetics
Classification: Uncertain significance. Last evaluated: 2024-07-12. Review status: criteria provided, single submitter. Criteria: ACMG Guidelines, 2015. Collection method: clinical testing. Allele origin: germline.

Fulgent Genetics
Classification: Uncertain significance for Meckel syndrome, type 1; Bardet-Biedl syndrome 13; Joubert syndrome 28. Last evaluated: 2024-02-20. Review status: criteria provided, single submitter. Criteria: ACMG Guidelines, 2015. Collection method: clinical testing. Allele origin: germline.

Labcorp Genetics (formerly Invitae), Labcorp
Classification: Uncertain significance for Joubert syndrome; Meckel-Gruber syndrome. Last evaluated: 2022-04-13. Review status: criteria provided, single submitter. Criteria: Invitae Variant Classification Sherloc (09022015). Collection method: clinical testing. Allele origin: germline.
Comment: This sequence change replaces arginine, which is basic and polar, with leucine, which is neutral and non-polar, at codon 515 of the MKS1 protein (p.Arg515Leu). This variant is present in population databases (rs200658872, gnomAD 0.02%). This variant has not been reported in the literature in individuals affected with MKS1-related conditions. ClinVar contains an entry for this variant (Variation ID: 946624). Advanced modeling of protein sequence and biophysical properties (such as structural, functional, and spatial information, amino acid conservation, physicochemical variation, residue mobility, and thermodynamic stability) performed at Invitae indicates that this missense variant is not expected to disrupt MKS1 protein function. Algorithms developed to predict the effect of sequence changes on RNA splicing suggest that this variant is not likely to affect RNA splicing. In summary, the available evidence is currently insufficient to determine the role of this variant in disease. Therefore, it has been classified as a Variant of Uncertain Significance.

Institute of Human Genetics, Univ. Regensburg, Univ. Regensburg
Classification: Uncertain significance for Retinal dystrophy. Last evaluated: 2022-01-01. Review status: no assertion criteria provided. Criteria: ACMG Guidelines, 2015. Collection method: clinical testing. Allele origin: germline. Affected: yes. Not counted in ClinVar's aggregate classification.

Natera, Inc.
Classification: Uncertain significance for Meckel syndrome type 1. Last evaluated: 2020-09-08. Review status: no assertion criteria provided. Collection method: clinical testing. Allele origin: germline. Not counted in ClinVar's aggregate classification.

NM_017777.4(MKS1):c.1544G>T (p.Arg515Leu)

Gene: MKS1 (MKS transition zone complex subunit 1; minus strand). Cytogenetic location: 17q22.
Variant type: single nucleotide variant.
Coding change: c.1544G>T on transcript NM_017777.4 (MANE Select); coding-DNA position 1544, G replaced by T.
Protein change: p.Arg515Leu; replaces arginine 515 with leucine.
Molecular consequence: missense variant. On other transcripts: synonymous variant (1).
Genome position (GRCh38, 1-based): chr17:58,206,327, C>A on the plus strand (G>T on the coding strand, the complement: MKS1 is on the minus strand). VCF-style: chr17-58206327-C-A. GRCh37 (hg19) VCF-style: chr17-56283688-C-A.
Other names: c.935G>T, p.Arg312Leu (NM_001321268.2); c.1461G>T, p.Pro487= (NM_001321269.2); c.1327G>T, p.Val443Phe (NM_001330397.2); short protein forms R312L, V443F, R515L.
Identifiers: ClinVar variation 946624 (VCV000946624.11), dbSNP rs200658872, ClinGen allele CA8669089.